The following is an entry in ClinVar:

ClinVar aggregate classification (germline): Conflicting classifications of pathogenicity. Review status: criteria provided, conflicting classifications (1 of 4 stars). 3 submissions from 3 submitters: Uncertain significance (2); Likely benign (1). Last evaluated 2025-12-08.

Conditions:
Hereditary cancer-predisposing syndrome. Also called: Neoplastic Syndromes, Hereditary; Hereditary neoplastic syndrome; Tumor predisposition; Hereditary Cancer Syndrome. Identifiers: Orphanet 140162, MedGen C0027672, MeSH D009386, MONDO:0015356.
POLD1-related polyposis and colorectal cancer syndrome (CRCS10). Also called: Colorectal cancer 10; COLORECTAL CANCER, SUSCEPTIBILITY TO, ON CHROMOSOME 19q; Colorectal cancer, susceptibility to, 10. Identifiers: Orphanet 220460, MedGen C2675481, MONDO:0012953, OMIM 612591.

Allele frequency attached by ClinVar (database versions not stated): TOPMed below 0.00001; gnomAD 0.00001; gnomAD exomes 0.00001.
gnomAD v4.1: 11 of 1,604,342 alleles (0.00069%); highest among the groups gnomAD compares: Admixed American, 0.0034%; no homozygotes.

Submissions (3):

Ambry Genetics
Classification: Likely benign for Hereditary cancer-predisposing syndrome. Last evaluated: 2025-12-08. Review status: criteria provided, single submitter. Criteria: Ambry Variant Classification Scheme 2023. Collection method: clinical testing. Allele origin: germline.

Labcorp Genetics (formerly Invitae), Labcorp
Classification: Uncertain significance for POLD1-related polyposis and colorectal cancer syndrome. Last evaluated: 2025-10-13. Review status: criteria provided, single submitter. Criteria: Invitae Variant Classification Sherloc (09022015). Collection method: clinical testing. Allele origin: germline.
Comment: This sequence change replaces arginine, which is basic and polar, with glutamine, which is neutral and polar, at codon 791 of the POLD1 protein (p.Arg791Gln). This variant is not present in population databases (gnomAD no frequency). This variant has not been reported in the literature in individuals affected with POLD1-related conditions. ClinVar contains an entry for this variant (Variation ID: 436356). Invitae Evidence Modeling of protein sequence and biophysical properties (such as structural, functional, and spatial information, amino acid conservation, physicochemical variation, residue mobility, and thermodynamic stability) indicates that this missense variant is not expected to disrupt POLD1 protein function with a negative predictive value of 80%. In summary, the available evidence is currently insufficient to determine the role of this variant in disease. Therefore, it has been classified as a Variant of Uncertain Significance.

Genetic Services Laboratory, University of Chicago
Classification: Uncertain significance. Last evaluated: 2016-06-23. Review status: criteria provided, single submitter. Criteria: ACMG Guidelines, 2015. Collection method: clinical testing. Allele origin: germline. Affected: no.

NM_002691.4(POLD1):c.2372G>A (p.Arg791Gln)

Gene: POLD1 (DNA polymerase delta 1, catalytic subunit; plus strand). Cytogenetic location: 19q13.33.
Variant type: single nucleotide variant.
Coding change: c.2372G>A on transcript NM_002691.4 (MANE Select); coding-DNA position 2372, G replaced by A.
Protein change: p.Arg791Gln; replaces arginine 791 with glutamine.
Molecular consequence: missense variant. On other transcripts: non-coding transcript variant (1).
Genome position (GRCh38, 1-based): chr19:50,413,863, G>A. VCF-style: chr19-50413863-G-A. GRCh37 (hg19) VCF-style: chr19-50917120-G-A.
Other names: c.2372G>A, p.Arg791Gln (NM_001256849.1); c.2450G>A, p.Arg817Gln (NM_001308632.1); short protein forms R791Q, R817Q.
Identifiers: ClinVar variation 436356 (VCV000436356.16), dbSNP rs1174011798, ClinGen allele CA406984368.
Genomic context (GRCh38, chr19:50,413,863, plus strand): 5'-CGATGGCCCTGGGGCGGGAGGCCGCGGACTGGGTGTCAGGTCACTTCCCGTCGCCCATCC[G>A]GCTGGAGTTTGAGAAGGTGCGTGGCTGGGTCAGGGGCTCTGCATTTAGGTGCCCTCATCA-3'
Protein context (NP_002682.2, residues 781-801): WVSGHFPSPI[Arg791Gln]LEFEKVYFPY